The following is an entry in ClinVar:

NM_006005.3(WFS1):c.861+1G>A

Gene: WFS1 (wolframin ER transmembrane glycoprotein; plus strand). Cytogenetic location: 4p16.1.
Variant type: single nucleotide variant.
Coding change: c.861+1G>A on transcript NM_006005.3 (MANE Select); the canonical splice donor site of the intron after coding-DNA position 861, G replaced by A.
Molecular consequence: splice donor variant.
Genome position (GRCh38, 1-based): chr4:6,295,190, G>A. VCF-style: chr4-6295190-G-A. GRCh37 (hg19) VCF-style: chr4-6296917-G-A.
Other names: c.861+1G>A (NM_001145853.1).
Identifiers: ClinVar variation 3720566 (VCV003720566.3).

ClinVar aggregate classification (germline): Pathogenic/Likely pathogenic. Review status: criteria provided, multiple submitters, no conflicts (2 of 4 stars). 2 submissions from 2 submitters: Pathogenic (1); Likely pathogenic (1). Last evaluated 2024-09-19.

Conditions:
WFS1-related disorder. Identifiers: MedGen CN379391, MONDO:0700293.

Submissions (2):

Labcorp Genetics (formerly Invitae), Labcorp
Classification: Pathogenic. Last evaluated: 2024-09-19. Review status: criteria provided, single submitter. Criteria: Invitae Variant Classification Sherloc (09022015). Collection method: clinical testing. Allele origin: germline.
Comment: This sequence change affects a donor splice site in intron 7 of the WFS1 gene. While this variant is not anticipated to result in nonsense mediated decay, it likely alters RNA splicing and results in a disrupted protein product. This variant is not present in population databases (gnomAD no frequency). Disruption of this splice site has been observed in individual(s) with autosomal recessive Wolfram syndrome (PMID: 15605410). Variants that disrupt the consensus splice site are a relatively common cause of aberrant splicing (PMID: 17576681, 9536098). Studies have shown that disruption of this splice site is associated with inconclusive levels of altered splicing (PMID: 15605410). This variant disrupts a region of the WFS1 protein in which other variant(s) (p.Pro885Leu) have been determined to be pathogenic (PMID: 10521293, 28432734). This suggests that this is a clinically significant region of the protein, and that variants that disrupt it are likely to be disease-causing. For these reasons, this variant has been classified as Pathogenic.

Blueprint Genetics
Classification: Likely pathogenic for WFS1-related disorders. Last evaluated: 2019-01-28. Review status: criteria provided, single submitter. Criteria: ACMG Guidelines, 2015. Collection method: clinical testing. Allele origin: germline. Affected: yes. Observed: 1 variant allele.

Literature cited by the submitters: PubMed 15605410 (cited by Labcorp Genetics (formerly Invitae), Labcorp); PubMed 17576681 (cited by Labcorp Genetics (formerly Invitae), Labcorp); PubMed 9536098 (cited by Labcorp Genetics (formerly Invitae), Labcorp); PubMed 10521293 (cited by Labcorp Genetics (formerly Invitae), Labcorp); PubMed 28432734 (cited by Labcorp Genetics (formerly Invitae), Labcorp).